The following is an entry in ClinVar:

NM_004336.5(BUB1):c.2114C>T (p.Ala705Val)

Gene: BUB1 (BUB1 mitotic checkpoint serine/threonine kinase; minus strand). Cytogenetic location: 2q13.
Variant type: single nucleotide variant.
Coding change: c.2114C>T on transcript NM_004336.5 (MANE Select); coding-DNA position 2114, C replaced by T.
Protein change: p.Ala705Val; replaces alanine 705 with valine.
Molecular consequence: missense variant.
Genome position (GRCh38, 1-based): chr2:110,650,635, G>A on the plus strand (C>T on the coding strand, the complement: BUB1 is on the minus strand). VCF-style: chr2-110650635-G-A. GRCh37 (hg19) VCF-style: chr2-111408212-G-A.
Other names: c.2054C>T, p.Ala685Val (NM_001278616.2); c.2114C>T, p.Ala705Val (NM_001278617.2); short protein forms A685V, A705V.
Identifiers: ClinVar variation 1786155 (VCV001786155.2), dbSNP rs376481913, ClinGen allele CA53526814.

ClinVar aggregate classification (germline): Uncertain significance (1 of 4 stars; one submission).

Allele frequency attached by ClinVar (database versions not stated): gnomAD exomes below 0.00001; gnomAD 0.00001; TOPMed 0.00002; ESP Exome Variant Server 0.00008.
gnomAD v4.1: 3 of 1,613,834 alleles (0.00019%); highest among the groups gnomAD compares: African/African-American, 0.004%; no homozygotes.

Submission:

Ambry Genetics
Classification: Uncertain significance. Last evaluated: 2023-10-20. Review status: criteria provided, single submitter. Criteria: Ambry Variant Classification Scheme 2023. Collection method: clinical testing. Allele origin: germline.
Comment: The p.A705V variant (also known as c.2114C>T), located in coding exon 18 of the BUB1 gene, results from a C to T substitution at nucleotide position 2114. The alanine at codon 705 is replaced by valine, an amino acid with similar properties. This amino acid position is conserved. In addition, this alteration is predicted to be tolerated by in silico analysis. Since supporting evidence is limited at this time, the clinical significance of this alteration remains unclear.